The following is an entry in ClinVar:

ClinVar aggregate classification (germline): Pathogenic/Likely pathogenic. Review status: criteria provided, multiple submitters, no conflicts (2 of 4 stars). 9 submissions from 8 submitters: Pathogenic (6); Likely pathogenic (1). 2 of the submissions do not count toward it. Last evaluated 2026-01-05.

Conditions:
RDH12-related disorder. Also called: RDH12-related condition; RDH12-related disorders.
Leber congenital amaurosis (LCA). Also called: Leber's amaurosis. Identifiers: Orphanet 65, MedGen C0339527, MeSH D057130, MONDO:0018998.
Leber congenital amaurosis 13 (LCA13). Identifiers: MedGen C2675186, MONDO:0012990, OMIM 612712.

Submissions (9):

Labcorp Genetics (formerly Invitae), Labcorp
Classification: Pathogenic for Leber congenital amaurosis 13. Last evaluated: 2026-01-05. Review status: criteria provided, single submitter. Criteria: Invitae Variant Classification Sherloc (09022015). Collection method: clinical testing. Allele origin: germline.
Comment: This sequence change creates a premature translational stop signal (p.Ile22Glyfs*19) in the RDH12 gene. It is expected to result in an absent or disrupted protein product. Loss-of-function variants in RDH12 are known to be pathogenic (PMID: 17964524, 22065924, 32014858, 34001834). This variant is not present in population databases (gnomAD no frequency). This premature translational stop signal has been observed in individual(s) with autosomal recessive early onset retinal disease (PMID: 30372751). This variant is also known as Ile22Gly. For these reasons, this variant has been classified as Pathogenic.

PreventionGenetics, part of Exact Sciences
Classification: Pathogenic for RDH12-related condition. Last evaluated: 2025-11-06. Review status: criteria provided, single submitter. Criteria: ACMG Guidelines, 2015. Collection method: clinical testing. Allele origin: germline.
Comment: The RDH12 c.63_66delCATC variant is predicted to result in a frameshift and premature protein termination (p.Ile22Glyfs*19). This variant has been reported in the homozygous state in an individual with Leber congenital amaurosis (Gupta et al. 2022. PubMed ID: 36284670). This variant has not been reported in a large population database (gnomAD), indicating this variant is rare. Frameshift variants in RDH12 are expected to be pathogenic. This variant is interpreted as pathogenic.

Natera, Inc.
Classification: Pathogenic for Leber congenital amaurosis. Last evaluated: 2025-04-07. Review status: criteria provided, single submitter. Criteria: Natera Variant Classification Schema (03/2026). Collection method: clinical testing. Allele origin: germline.
Comment: The c.63_66delCATC variant in RDH12 is a frameshift variant predicted to shift the reading frame beginning at codon 22 and leads to a stop codon 19 codons downstream. This variant is expected to result in nonsense mediated decay, truncation, or a dysfunctional protein product. This variant is rare in the general population with a frequency below the threshold expected for the associated phenotype(s). This variant has been observed in one or more individuals affected with the associated recessive disease, as either homozygous or compound heterozygous with a second variant (PMID: 24154662, 36284670). Given the available evidence, this variant is classified as Pathogenic.

Fulgent Genetics
Classification: Pathogenic for Leber congenital amaurosis 13. Last evaluated: 2024-05-22. Review status: criteria provided, single submitter. Criteria: ACMG Guidelines, 2015. Collection method: clinical testing. Allele origin: germline.

GeneDx
Classification: Pathogenic. Last evaluated: 2023-12-07. Review status: criteria provided, single submitter. Criteria: GeneDx Variant Classification Process June 2021. Collection method: clinical testing. Allele origin: germline. Affected: yes.
Comment: Frameshift variant predicted to result in protein truncation or nonsense mediated decay in a gene for which loss-of-function is a known mechanism of disease; Not observed at significant frequency in large population cohorts (gnomAD); This variant is associated with the following publications: (PMID: 17964524, 30372751, 22065924, 36284670, 24154662)

Blueprint Genetics
Classification: Pathogenic for RDH12-related disorders. Last evaluated: 2022-01-31. Review status: criteria provided, single submitter. Criteria: ACMG Guidelines, 2015. Collection method: clinical testing. Allele origin: germline. Affected: yes. Observed: 5 variant alleles.

Eurofins Ntd Llc (ga)
Classification: Likely pathogenic. Last evaluated: 2017-01-09. Review status: criteria provided, single submitter. Criteria: EGL Classification Definitions 2015. Collection method: clinical testing. Allele origin: germline. Observed: 1 variant allele, 1 heterozygote.

Division of Human Genetics, Children's Hospital of Philadelphia
Classification: Likely pathogenic for Leber congenital amaurosis 13. Last evaluated: 2015-02-17. Review status: no assertion criteria provided. Collection method: research. Allele origin: germline. Study: CSER-PediSeq. Not counted in ClinVar's aggregate classification.

Division of Human Genetics, Children's Hospital of Philadelphia
Classification: Likely pathogenic for Leber congenital amaurosis 13. Last evaluated: 2015-02-17. Review status: flagged submission. Collection method: research. Allele origin: germline. Affected: no. Study: CSER-PediSeq. Not counted in ClinVar's aggregate classification.
Comment: This variant (c.63_66del; p.Ile22Glyfs*19) has been previously published in a cohort with LCA in one individual (PMID: 17964524) and results in a premature stop 19 amino acids later. The resulting product being severely truncated and less than 1/3 of the expected length. This variant is not seen in the ExAC database nor in the ClinVar database.
ClinVar note: Reason: This record appears to be redundant with a more recent record from the same submitter.
ClinVar note: Notes: SCV000238448 appears to be redundant with SCV000536762.

Literature cited by the submitters: PubMed 17964524 (cited by Labcorp Genetics (formerly Invitae), Labcorp and Division of Human Genetics, Children's Hospital of Philadelphia); PubMed 22065924 (cited by Labcorp Genetics (formerly Invitae), Labcorp); PubMed 32014858 (cited by Labcorp Genetics (formerly Invitae), Labcorp); PubMed 34001834 (cited by Labcorp Genetics (formerly Invitae), Labcorp); PubMed 30372751 (cited by Labcorp Genetics (formerly Invitae), Labcorp); PubMed 24154662 (cited by Natera, Inc.); PubMed 36284670 (cited by Natera, Inc.).

NM_152443.3(RDH12):c.63_66del (p.Ile22fs)

Genes: GPHN (gephyrin; plus strand), RDH12 (retinol dehydrogenase 12; plus strand). Cytogenetic location: 14q24.1.
Variant type: Microsatellite.
Coding change: c.63_66del on transcript NM_152443.3 (MANE Select); coding-DNA positions 63 to 66, 4 bases deleted (CATC; older notation c.63_66delCATC).
Protein change: p.Ile22fs; shifts the reading frame from isoleucine 22.
Molecular consequence: frameshift variant.
Genome position (GRCh38, 1-based): chr14:67,722,705-67,722,708, CATC deleted; deleting any 4 consecutive bases within chr14:67,722,699-67,722,708 gives the same sequence; the c. name uses the placement nearest the transcript's 3' end. VCF-style (leftmost placement, unchanged base first): chr14-67722698-CTCCA-C. GRCh37 (hg19) VCF-style: chr14-68189415-CTCCA-C.
Other names: c.63_66delCATC (NM_152443.2); c.57_60delTCCA (NM_152443.2); short protein forms I22fs.
Identifiers: ClinVar variation 203385 (VCV000203385.21), dbSNP rs794729650, ClinGen allele CA275516.